The following is an entry in ClinVar:

ClinVar aggregate classification (germline): Pathogenic (1 of 4 stars; one submission).

Conditions:
Tuberous sclerosis 1 (TSC1). Identifiers: Orphanet 805, MedGen C1854465, MONDO:0008612, OMIM 191100.

Submission:

Labcorp Genetics (formerly Invitae), Labcorp
Classification: Pathogenic for Tuberous sclerosis 1. Last evaluated: 2022-09-06. Review status: criteria provided, single submitter. Criteria: Invitae Variant Classification Sherloc (09022015). Collection method: clinical testing. Allele origin: germline.
Comment: This sequence change creates a premature translational stop signal (p.Leu667Phefs*21) in the TSC1 gene. It is expected to result in an absent or disrupted protein product. Loss-of-function variants in TSC1 are known to be pathogenic (PMID: 10227394, 17304050). This variant is not present in population databases (gnomAD no frequency). This variant has not been reported in the literature in individuals affected with TSC1-related conditions. For these reasons, this variant has been classified as Pathogenic.

Literature cited by the submitters: PubMed 10227394; PubMed 17304050.

NM_000368.5(TSC1):c.2000dup (p.Leu667fs)

Gene: TSC1 (TSC complex subunit 1; minus strand). Cytogenetic location: 9q34.13.
Variant type: Duplication.
Coding change: c.2000dup on transcript NM_000368.5 (MANE Select); coding-DNA position 2000, one base duplicated (T; older notation c.2000dupT).
Protein change: p.Leu667fs; shifts the reading frame from leucine 667.
Molecular consequence: frameshift variant.
Genome position (GRCh38, 1-based): chr9:132,904,452, A duplicated on the plus strand (T on the coding strand, the reverse complement: TSC1 is on the minus strand); the first of 2 consecutive A bases (chr9:132,904,452-132,904,453); duplicating either gives the same sequence. VCF-style (leftmost placement, unchanged base first): chr9-132904451-C-CA. GRCh37 (hg19) VCF-style: chr9-135779838-C-CA.
Other names: c.1997dup, p.Leu666fs (NM_001162426.2); c.1847dup, p.Leu616fs (NM_001162427.2); c.1637dup, p.Leu546fs (NM_001362177.2); c.1999dup, p.Leu667Phefs (NM_001406592.1, NM_001406593.1, NM_001406594.1 and 7 more transcripts); c.1996dup, p.Leu666Phefs (NM_001406597.1, NM_001406598.1, NM_001406599.1 and 5 more transcripts); c.1846dup, p.Leu616Phefs (NM_001406610.1); c.1843dup, p.Leu615Phefs (NM_001406611.1, NM_001406612.1, NM_001406613.1); c.1636dup, p.Leu546Phefs (NM_001406614.1, NM_001406615.1, NM_001406616.1 and 4 more transcripts); and 4 more; short protein forms L616fs, L667fs, L666fs, L546fs.
Identifiers: ClinVar variation 2029243 (VCV002029243.4), dbSNP rs2538679004, ClinGen allele CA2580079888.